The following is an entry in ClinVar:

ClinVar aggregate classification (germline): Likely pathogenic (1 of 4 stars; one submission).

Submission:

GeneDx
Classification: Likely pathogenic. Last evaluated: 2024-11-13. Review status: criteria provided, single submitter. Criteria: GeneDx Variant Classification Process June 2021. Collection method: clinical testing. Allele origin: germline. Affected: yes.
Comment: Intronic variant directly or indirectly altering the +5 splice site in a gene for which loss of function is a known mechanism of disease, and splice predictors support a deleterious effect; Not observed at significant frequency in large population cohorts (gnomAD); Has not been previously published as pathogenic or benign to our knowledge

NM_194454.3(KRIT1):c.1146+3_1146+4del

Gene: KRIT1 (KRIT1 ankyrin repeat containing; minus strand). Cytogenetic location: 7q21.2.
Variant type: Deletion.
Coding change: c.1146+3_1146+4del on transcript NM_194454.3 (MANE Select); bases 3 to 4 of the intron after coding-DNA position 1146, 2 bases deleted (AA; older notation c.1146+3_1146+4delAA).
Molecular consequence: intron variant.
Genome position (GRCh38, 1-based): chr7:92,226,522-92,226,523, TT deleted on the plus strand (AA on the coding strand, the reverse complement: KRIT1 is on the minus strand). VCF-style (leftmost placement, unchanged base first): chr7-92226521-CTT-C. GRCh37 (hg19) VCF-style: chr7-91855835-CTT-C.
Other names: c.1146+3_1146+4del (NM_001350672.1, NM_001350676.1, NM_001350673.1 and 26 more transcripts); c.1002+3_1002+4del (NM_001350669.1, NM_001013406.2, NM_001350670.1); c.432+3_432+4del (NM_001350671.1); c.1146+3_1146+4delAA (NM_194456.1).
Identifiers: ClinVar variation 504334 (VCV000504334.3), dbSNP rs1554518369, ClinGen allele CA658796966.